The following is an entry in ClinVar:

ClinVar aggregate classification (germline): Pathogenic (1 of 4 stars; one submission).

Conditions:
Monogenic hearing loss.

Submission:

Genetics Laboratory, Great Ormond Street Hospital NHS Foundation Trust, North Thames Genomic Laboratory Hub
Classification: Pathogenic for Monogenic hearing loss. Last evaluated: 2025-11-15. Review status: criteria provided, single submitter. Criteria: ACGS Best Practice Guidelines for Variant Classification in Rare Disease 2024 v1.2. Collection method: clinical testing. Allele origin: germline. Affected: yes.
Comment: PM2_moderate, PVS1_very-strong

NM_001384474.1(LOXHD1):c.2438-2A>G

Gene: LOXHD1 (lipoxygenase homology PLAT domains 1; minus strand). Cytogenetic location: 18q21.1.
Variant type: single nucleotide variant.
Coding change: c.2438-2A>G on transcript NM_001384474.1 (MANE Select); the canonical splice acceptor site of the intron before coding-DNA position 2438, A replaced by G.
Molecular consequence: splice acceptor variant.
Genome position (GRCh38, 1-based): chr18:46,563,227, T>C on the plus strand (A>G on the coding strand, the complement: LOXHD1 is on the minus strand). VCF-style: chr18-46563227-T-C. GRCh37 (hg19) VCF-style: chr18-44143190-T-C.
Other names: c.2438-2A>G (NM_144612.7).
Identifiers: ClinVar variation 4685473 (VCV004685473.1).